The following is an entry in ClinVar:

NM_153700.2(STRC):c.(?_3795)_(4993_?)del

Gene: STRC (stereocilin; minus strand). Cytogenetic location: 15q15.3.
Variant type: Deletion.
Coding change: c.(?_3795)_(4993_?)del on transcript NM_153700.2; a large deletion whose breakpoints are not mapped to the base.
Other names: c.(?_3795)_(4993_?)del (NM_153700.2).
Identifiers: ClinVar variation 165297 (VCV000165297.5).

ClinVar aggregate classification (germline): Pathogenic (1 of 4 stars; one submission).

Conditions:
Rare genetic deafness. Identifiers: Orphanet 96210, MedGen C5680250.

Submission:

Laboratory for Molecular Medicine, Mass General Brigham Personalized Medicine
Classification: Pathogenic for Rare genetic deafness. Last evaluated: 2014-01-06. Review status: criteria provided, single submitter. Criteria: LMM Criteria. Collection method: clinical testing. Allele origin: germline. Inheritance: Autosomal recessive inheritance. Observed: 2 variant alleles.
Comment: Multi-exon deletions in STRC, which overlap with exons 19-26, have been reported in several individu als with hearing loss (Francey 2011). This variant leads to a copy number loss o f exons 19 through 26 in the STRC gene and introduces a frameshift, which is pre dicted to lead to a truncated or absent protein. In summary, this variant meets our criteria to be classified as pathogenic. It should be noted that exact breakpoints of the detected deletion could not be de termined due to limitations of the testing methodology.

Literature cited by the submitters: PubMed 22147502.